The following is an entry in ClinVar:

NM_001267550.2(TTN):c.1290TGC[1] (p.Ala432del)

Gene: TTN (titin; minus strand). Cytogenetic location: 2q31.2.
Variant type: Microsatellite.
Coding change: c.1290TGC[1] on transcript NM_001267550.2 (MANE Select); one copy of the 3-base unit TGC starting at c.1290; the reference has two copies in a row; one copy, 3 bases deleted.
Protein change: p.Ala432del; deletes alanine 432.
Molecular consequence: inframe deletion.
Genome position (GRCh38, 1-based): chr2:178,794,502-178,794,504, GCA deleted on the plus strand (TGC on the coding strand, the reverse complement: TTN is on the minus strand); deleting any 3 consecutive bases within chr2:178,794,502-178,794,507 gives the same sequence; the position shown is the placement nearest the transcript's 3' end. VCF-style (leftmost placement, unchanged base first): chr2-178794501-GGCA-G. GRCh37 (hg19) VCF-style: chr2-179659228-GGCA-G.
Other names: c.1290TGC[1], p.Ala432del (NM_001256850.1, NM_003319.4, NM_133378.4 and 3 more transcripts); c.1293_1295delTGC (NM_003319.4); short protein forms A432del.
Identifiers: ClinVar variation 1769145 (VCV001769145.2), dbSNP rs751699146, ClinGen allele CA2006095.

ClinVar aggregate classification (germline): Uncertain significance (1 of 4 stars; one submission).

Conditions:
Cardiovascular phenotype. Identifiers: MedGen CN230736.

Submission:

Ambry Genetics
Classification: Uncertain significance for Cardiovascular phenotype. Last evaluated: 2021-04-08. Review status: criteria provided, single submitter. Criteria: Ambry Variant Classification Scheme 2023. Collection method: clinical testing. Allele origin: germline.
Comment: The c.1293_1295delTGC variant (also known as p.A432del) is located in coding exon 7 of the TTN gene. This variant results from an in-frame TGC deletion at nucleotide positions 1293 to 1295. This results in the in-frame deletion of an alanine at codon 432. This amino acid position is highly conserved in available vertebrate species. In addition, this alteration is predicted to be deleterious by in silico analysis (Choi Y et al. PLoS ONE. 2012; 7(10):e46688). Since supporting evidence is limited at this time, the clinical significance of this alteration remains unclear.